The following is an entry in ClinVar:

NM_001130438.3(SPTAN1):c.4958C>A (p.Ala1653Glu)

Gene: SPTAN1 (spectrin alpha, non-erythrocytic 1; plus strand). Cytogenetic location: 9q34.11.
Variant type: single nucleotide variant.
Coding change: c.4958C>A on transcript NM_001130438.3 (MANE Select); coding-DNA position 4958, C replaced by A.
Protein change: p.Ala1653Glu; replaces alanine 1653 with glutamic acid.
Molecular consequence: missense variant.
Genome position (GRCh38, 1-based): chr9:128,612,161, C>A. VCF-style: chr9-128612161-C-A. GRCh37 (hg19) VCF-style: chr9-131374440-C-A.
Other names: p.A1653E:GCG>GAG; c.4883C>A, p.Ala1628Glu (NM_001195532.2); c.4958C>A, p.Ala1653Glu (NM_001363759.2); c.4898C>A, p.Ala1633Glu (NM_001363765.2); c.4943C>A, p.Ala1648Glu (NM_003127.4); short protein forms A1653E, A1648E, A1633E, A1628E.
Identifiers: ClinVar variation 207294 (VCV000207294.14), dbSNP rs374723711, ClinGen allele CA318623.

ClinVar aggregate classification (germline): Conflicting classifications of pathogenicity. Review status: criteria provided, conflicting classifications (1 of 4 stars). 5 submissions from 5 submitters: Uncertain significance (4); Likely benign (1). Last evaluated 2026-05-11.

Conditions:
Early-infantile DEE. Also called: Early infantile epileptic encephalopathy with suppression bursts; Ohtahara syndrome; Early infantile epileptic encephalopathy. Identifiers: Orphanet 1934, MedGen C0393706, MONDO:0800491.
Inborn genetic diseases. Identifiers: MedGen C0950123, MeSH D030342.
Developmental and epileptic encephalopathy, 5 (DEE5). Identifiers: Orphanet 3451, MedGen C3150731, MONDO:0013277, OMIM 613477.

Allele frequency attached by ClinVar (database versions not stated): TOPMed 0.00004; ESP Exome Variant Server 0.00008.
gnomAD v4.1: 81 of 1,613,986 alleles (0.005%); highest among the groups gnomAD compares: Admixed American, 0.017%; no homozygotes.

Submissions (5):

Women's Health and Genetics/Laboratory Corporation of America, LabCorp
Classification: Uncertain significance. Last evaluated: 2026-05-11. Review status: criteria provided, single submitter. Criteria: LabCorp Variant Classification Summary - May 2015. Collection method: clinical testing. Allele origin: germline.
Comment: Variant summary: SPTAN1 c.4958C>A (p.Ala1653Glu) results in a non-conservative amino acid change in the encoded protein sequence. Algorithms developed to predict the effect of missense changes on protein structure and function are either unavailable or do not agree on the potential impact of this missense change. The variant allele was found at a frequency of 1.2e-05 in 251440 control chromosomes. The available data on variant occurrences in the general population are insufficient to allow any conclusion about variant significance. To our knowledge, no occurrence of c.4958C>A in individuals affected with SPTAN1-related conditions and no experimental evidence demonstrating its impact on protein function have been reported. ClinVar contains an entry for this variant (Variation ID: 207294). Based on the evidence outlined above, the variant was classified as uncertain significance.

Labcorp Genetics (formerly Invitae), Labcorp
Classification: Uncertain significance for Early-infantile DEE. Last evaluated: 2025-11-23. Review status: criteria provided, single submitter. Criteria: Invitae Variant Classification Sherloc (09022015). Collection method: clinical testing. Allele origin: germline.
Comment: This sequence change replaces alanine, which is neutral and non-polar, with glutamic acid, which is acidic and polar, at codon 1653 of the SPTAN1 protein (p.Ala1653Glu). This variant is present in population databases (rs374723711, gnomAD 0.009%). This variant has not been reported in the literature in individuals affected with SPTAN1-related conditions. ClinVar contains an entry for this variant (Variation ID: 207294). Invitae Evidence Modeling of protein sequence and biophysical properties (such as structural, functional, and spatial information, amino acid conservation, physicochemical variation, residue mobility, and thermodynamic stability) has been performed for this missense variant. However, the output from this modeling did not meet the statistical confidence thresholds required to predict the impact of this variant on SPTAN1 protein function. In summary, the available evidence is currently insufficient to determine the role of this variant in disease. Therefore, it has been classified as a Variant of Uncertain Significance.

Ambry Genetics
Classification: Uncertain significance for Inborn genetic diseases. Last evaluated: 2024-06-04. Review status: criteria provided, single submitter. Criteria: Ambry Variant Classification Scheme 2023. Collection method: clinical testing. Allele origin: germline.

Genome-Nilou Lab
Classification: Uncertain significance for Developmental and epileptic encephalopathy, 5. Last evaluated: 2021-07-15. Review status: criteria provided, single submitter. Criteria: ACMG Guidelines, 2015. Collection method: clinical testing. Allele origin: germline. Affected: no.

GeneDx
Classification: Likely benign. Last evaluated: 2021-05-11. Review status: criteria provided, single submitter. Criteria: GeneDx Variant Classification Process June 2021. Collection method: clinical testing. Allele origin: germline. Affected: yes.